The following is an entry in ClinVar:

NM_000264.5(PTCH1):c.*2276A>T

Gene: PTCH1 (patched 1; minus strand). Cytogenetic location: 9q22.32.
Variant type: single nucleotide variant.
Coding change: c.*2276A>T on transcript NM_000264.5 (MANE Select); 2276 bases downstream of the stop codon, A replaced by T.
Molecular consequence: 3 prime UTR variant. On other transcripts: non-coding transcript variant (1).
Genome position (GRCh38, 1-based): chr9:95,444,117, T>A on the plus strand (A>T on the coding strand, the complement: PTCH1 is on the minus strand). VCF-style: chr9-95444117-T-A. GRCh37 (hg19) VCF-style: chr9-98206399-T-A.
Other names: c.*2276A>T (NM_001083602.3, NM_001083603.3, NM_001083604.3 and 4 more transcripts).
Identifiers: ClinVar variation 367627 (VCV000367627.33), dbSNP rs868749157, ClinGen allele CA10627717.

ClinVar aggregate classification (germline): Conflicting classifications of pathogenicity. Review status: criteria provided, conflicting classifications (1 of 4 stars). 3 submissions from 2 submitters: Uncertain significance (2); Benign (1). Last evaluated 2023-05-01.

Conditions:
Holoprosencephaly 7 (HPE7). Identifiers: Orphanet 2162, MedGen C1835820, MONDO:0012562, OMIM 610828.
Gorlin syndrome. Also called: Basal cell nevus syndrome; Nevoid Basal Cell Carcinoma Syndrome. Identifiers: Orphanet 377, MedGen C0004779, MONDO:0007187.

Allele frequency attached by ClinVar (database versions not stated): gnomAD 0.00614 and 0.00625; TOPMed 0.00723.

Submissions (3):

CeGaT Center for Human Genetics Tuebingen
Classification: Benign. Last evaluated: 2023-05-01. Review status: criteria provided, single submitter. Criteria: CeGaT Center For Human Genetics Tuebingen Variant Classification Criteria Version 2. Collection method: clinical testing. Allele origin: germline. Affected: yes. Observed: 11 variant alleles.
Comment: PTCH1: BS1, BS2

Illumina Laboratory Services, Illumina
Classification: Uncertain significance for Holoprosencephaly 7. Last evaluated: 2018-01-12. Review status: criteria provided, single submitter. Criteria: ICSL Variant Classification Criteria 13 December 2019. Collection method: clinical testing. Allele origin: germline.

Illumina Laboratory Services, Illumina
Classification: Uncertain significance for Basal cell nevus syndrome 1. Last evaluated: 2018-01-12. Review status: criteria provided, single submitter. Criteria: ICSL Variant Classification Criteria 13 December 2019. Collection method: clinical testing. Allele origin: germline.